The following is an entry in ClinVar:

NM_017763.6(RNF43):c.1488T>A (p.Thr496=)

Gene: RNF43 (ring finger protein 43; minus strand). Cytogenetic location: 17q22.
Variant type: single nucleotide variant.
Coding change: c.1488T>A on transcript NM_017763.6 (MANE Select); coding-DNA position 1488, T replaced by A.
Protein change: p.Thr496=; no amino-acid change (threonine 496 retained).
Molecular consequence: synonymous variant.
Genome position (GRCh38, 1-based): chr17:58,358,288, A>T on the plus strand (T>A on the coding strand, the complement: RNF43 is on the minus strand). VCF-style: chr17-58358288-A-T. GRCh37 (hg19) VCF-style: chr17-56435649-A-T.
Other names: c.1488T>A, p.Thr496= (NM_001305544.3, NM_001438820.1, NM_001438821.1 and 1 more transcripts); c.1107T>A, p.Thr369= (NM_001305545.2, NM_001437987.1).
Identifiers: ClinVar variation 5042424 (VCV005042424.1).

ClinVar aggregate classification (germline): Benign (1 of 4 stars; one submission).

Conditions:
Sessile serrated polyposis cancer syndrome (SSPCS). Identifiers: Orphanet 157798, MedGen C4310714, MONDO:0014919, OMIM 617108.

gnomAD v4.1: 2 of 1,614,112 alleles (0.00012%); highest among the groups gnomAD compares: Non-Finnish European, 0.00017%; no homozygotes.

Submission:

Myriad Genetics, Inc.
Classification: Benign for Sessile serrated polyposis cancer syndrome. Last evaluated: 2026-07-01. Review status: criteria provided, single submitter. Criteria: Myriad Autosomal Dominant, Autosomal Recessive and X-Linked Classification Criteria (2023). Collection method: clinical testing. Allele origin: unknown.
Comment: This variant is considered benign. This variant is a silent/synonymous amino acid change and it is not expected to impact splicing.